The following is an entry in ClinVar:

NM_014679.5(CEP57):c.1421G>C (p.Arg474Thr)

Gene: CEP57 (centrosomal protein 57; plus strand). Cytogenetic location: 11q21.
Variant type: single nucleotide variant.
Coding change: c.1421G>C on transcript NM_014679.5 (MANE Select); coding-DNA position 1421, G replaced by C.
Protein change: p.Arg474Thr; replaces arginine 474 with threonine.
Molecular consequence: missense variant.
Genome position (GRCh38, 1-based): chr11:95,831,174, G>C. VCF-style: chr11-95831174-G-C. GRCh37 (hg19) VCF-style: chr11-95564338-G-C.
Other names: c.1232G>C, p.Arg411Thr (NM_001440875.1); c.1226G>C, p.Arg409Thr (NM_001440876.1); c.1223G>C, p.Arg408Thr (NM_001440877.1, NM_001440878.1); c.1196G>C, p.Arg399Thr (NM_001440879.1); c.1160G>C, p.Arg387Thr (NM_001440880.1); c.1124G>C, p.Arg375Thr (NM_001440881.1); c.1118G>C, p.Arg373Thr (NM_001440882.1); c.1394G>C, p.Arg465Thr (NM_001243776.2); and 6 more; short protein forms R373T, R399T, R408T, R474T, R409T, R412T, R414T, R465T.
Identifiers: ClinVar variation 4766035 (VCV004766035.1).

ClinVar aggregate classification (germline): Uncertain significance (1 of 4 stars; one submission).

Conditions:
Mosaic variegated aneuploidy syndrome 2 (MVA2). Identifiers: Orphanet 1052, MedGen C3279843, MONDO:0013582, OMIM 614114.

gnomAD v4.1: 2 of 1,613,258 alleles (0.00012%); highest among the groups gnomAD compares: Non-Finnish European, 0.00017%; no homozygotes.

Submission:

Labcorp Genetics (formerly Invitae), Labcorp
Classification: Uncertain significance for Mosaic variegated aneuploidy syndrome 2. Last evaluated: 2025-02-07. Review status: criteria provided, single submitter. Criteria: Invitae Variant Classification Sherloc (09022015). Collection method: clinical testing. Allele origin: germline.
Comment: This sequence change replaces arginine, which is basic and polar, with threonine, which is neutral and polar, at codon 474 of the CEP57 protein (p.Arg474Thr). This variant is not present in population databases (gnomAD no frequency). This variant has not been reported in the literature in individuals affected with CEP57-related conditions. Invitae Evidence Modeling of protein sequence and biophysical properties (such as structural, functional, and spatial information, amino acid conservation, physicochemical variation, residue mobility, and thermodynamic stability) indicates that this missense variant is not expected to disrupt CEP57 protein function with a negative predictive value of 80%. In summary, the available evidence is currently insufficient to determine the role of this variant in disease. Therefore, it has been classified as a Variant of Uncertain Significance.